The following is an entry in ClinVar:

ClinVar aggregate classification (germline): Uncertain significance (1 of 4 stars; one submission).

Submission:

Ambry Genetics
Classification: Uncertain significance. Last evaluated: 2022-12-20. Review status: criteria provided, single submitter. Criteria: Ambry Variant Classification Scheme 2023. Collection method: clinical testing. Allele origin: germline.
Comment: The p.Y123C variant (also known as c.368A>G), located in coding exon 3 of the RECQL gene, results from an A to G substitution at nucleotide position 368. The tyrosine at codon 123 is replaced by cysteine, an amino acid with highly dissimilar properties. This amino acid position is conserved. In addition, this alteration is predicted to be deleterious by in silico analysis. Since supporting evidence is limited at this time, the clinical significance of this alteration remains unclear.

NM_002907.4(RECQL):c.368A>G (p.Tyr123Cys)

Gene: RECQL (RecQ like helicase; minus strand). Cytogenetic location: 12p12.1.
Variant type: single nucleotide variant.
Coding change: c.368A>G on transcript NM_002907.4 (MANE Select); coding-DNA position 368, A replaced by G.
Protein change: p.Tyr123Cys; replaces tyrosine 123 with cysteine.
Molecular consequence: missense variant.
Genome position (GRCh38, 1-based): chr12:21,490,225, T>C on the plus strand (A>G on the coding strand, the complement: RECQL is on the minus strand). VCF-style: chr12-21490225-T-C. GRCh37 (hg19) VCF-style: chr12-21643159-T-C.
Other names: c.368A>G, p.Tyr123Cys (NM_032941.3); short protein forms Y123C.
Identifiers: ClinVar variation 2450968 (VCV002450968.2), dbSNP rs2540399226, ClinGen allele CA384132275.